The following is an entry in ClinVar:

NM_001923.5(DDB1):c.693C>G (p.Ile231Met)

Gene: DDB1 (damage specific DNA binding protein 1; minus strand). Cytogenetic location: 11q12.2.
Variant type: single nucleotide variant.
Coding change: c.693C>G on transcript NM_001923.5 (MANE Select); coding-DNA position 693, C replaced by G.
Protein change: p.Ile231Met; replaces isoleucine 231 with methionine.
Molecular consequence: missense variant.
Genome position (GRCh38, 1-based): chr11:61,325,680, G>C on the plus strand (C>G on the coding strand, the complement: DDB1 is on the minus strand). VCF-style: chr11-61325680-G-C. GRCh37 (hg19) VCF-style: chr11-61093152-G-C.
Other names: short protein forms I231M.
Identifiers: ClinVar variation 5020344 (VCV005020344.1).

ClinVar aggregate classification (germline): Uncertain significance (1 of 4 stars; one submission).

Submission:

Dasa
Classification: Uncertain significance. Last evaluated: 2026-06-19. Review status: criteria provided, single submitter. Criteria: DASA Assertion Criteria. Collection method: clinical testing. Allele origin: germline.
Comment: NM_001923.5(DDB1):c.693C>G (p.Ile231Met) is a missense variant that results in the substitution of isoleucine with methionine. The affected residue or protein region has prior evidence supporting clinical relevance. This variant is rare in population databases. The currently available literature and clinical evidence are not sufficient to establish a definitive association between this variant and the reported condition. Therefore, this variant is classified as a variant of uncertain significance.